The following is an entry in ClinVar:

NM_000494.4(COL17A1):c.608-145_678del

Gene: COL17A1 (collagen type XVII alpha 1 chain; minus strand). Cytogenetic location: 10q25.1.
Variant type: Deletion.
Coding change: c.608-145_678del on transcript NM_000494.4 (MANE Select); 145 bases into the intron before coding-DNA position 608 through coding-DNA position 678, 216 bases deleted.
Molecular consequence: splice acceptor variant.
Genome position (GRCh38, 1-based): chr10:104,064,526-104,064,741, 216 bases deleted. GRCh37 (hg19): chr10:105,824,287-105,824,502.
Identifiers: ClinVar variation 2826016 (VCV002826016.3), dbSNP rs2493362837, ClinGen allele CA2739276001.

ClinVar aggregate classification (germline): Likely pathogenic (1 of 4 stars; one submission).

Submission:

Labcorp Genetics (formerly Invitae), Labcorp
Classification: Likely pathogenic. Last evaluated: 2024-02-13. Review status: criteria provided, single submitter. Criteria: Invitae Variant Classification Sherloc (09022015). Collection method: clinical testing. Allele origin: germline.
Comment: This variant results in the deletion of part of exon 10 (c.608-145_678del) of the COL17A1 gene. It is expected to disrupt RNA splicing. Variants that disrupt the donor or acceptor splice site typically lead to a loss of protein function (PMID: 16199547), and loss-of-function variants in COL17A1 are known to be pathogenic (PMID: 16473856, 17344927, 20301304, 21357940, 24319098). This variant is not present in population databases (gnomAD no frequency). This variant has not been reported in the literature in individuals affected with COL17A1-related conditions. In summary, the currently available evidence indicates that the variant is pathogenic, but additional data are needed to prove that conclusively. Therefore, this variant has been classified as Likely Pathogenic.

Literature cited by the submitters: PubMed 16199547; PubMed 16473856; PubMed 17344927; PubMed 20301304; PubMed 21357940; PubMed 24319098.